The following is an entry in ClinVar:

ClinVar aggregate classification (germline): Benign/Likely benign. Review status: criteria provided, multiple submitters, no conflicts (2 of 4 stars). 4 submissions from 4 submitters: Benign (2); Likely benign (2). Last evaluated 2025-11-25.

Conditions:
46,XY sex reversal 9 (SRXY9). Also called: 46,XY SEX REVERSAL, ZFPM2-RELATED. Identifiers: Orphanet 251510, MedGen C4015129, MONDO:0014480, OMIM 616067.

Allele frequency attached by ClinVar (database versions not stated): gnomAD 0.00066; ExAC 0.00071; TOPMed 0.00077; ESP Exome Variant Server 0.00107; gnomAD exomes 0.00086.
gnomAD v4.1: 1,032 of 1,613,444 alleles (0.064%); highest among the groups gnomAD compares: Middle Eastern, 0.28%; 10 homozygotes.

Submissions (4):

Labcorp Genetics (formerly Invitae), Labcorp
Classification: Benign for 46,XY sex reversal 9. Last evaluated: 2025-11-25. Review status: criteria provided, single submitter. Criteria: Invitae Variant Classification Sherloc (09022015). Collection method: clinical testing. Allele origin: germline.

Blueprint Genetics
Classification: Likely benign. Last evaluated: 2024-11-07. Review status: criteria provided, single submitter. Criteria: ACMG Guidelines, 2015. Collection method: clinical testing. Allele origin: germline.

CeGaT Center for Human Genetics Tuebingen
Classification: Likely benign. Last evaluated: 2023-10-01. Review status: criteria provided, single submitter. Criteria: CeGaT Center For Human Genetics Tuebingen Variant Classification Criteria Version 2. Collection method: clinical testing. Allele origin: germline. Affected: yes. Observed: 1 variant allele.
Comment: ZFPM2: BP4, BP7

Breakthrough Genomics
Classification: Benign. Review status: criteria provided, single submitter. Criteria: ACMG Guidelines, 2015. Collection method: not provided. Allele origin: germline. Inheritance: Autosomal dominant inheritance. Affected: yes.

NM_012082.4(ZFPM2):c.1578G>T (p.Arg526=)

Genes: ZFPM2 (zinc finger protein, FOG family member 2; plus strand), ZFPM2-AS1 (ZFPM2 antisense RNA 1; minus strand). Cytogenetic location: 8q23.1.
Variant type: single nucleotide variant.
Coding change: c.1578G>T on transcript NM_012082.4 (MANE Select); coding-DNA position 1578, G replaced by T.
Protein change: p.Arg526=; no amino-acid change (arginine 526 retained).
Molecular consequence: synonymous variant.
Genome position (GRCh38, 1-based): chr8:105,801,660, G>T. VCF-style: chr8-105801660-G-T. GRCh37 (hg19) VCF-style: chr8-106813888-G-T.
Other names: c.1419G>T, p.Arg473= (NM_001362836.2); c.1182G>T, p.Arg394= (NM_001362837.2).
Identifiers: ClinVar variation 544224 (VCV000544224.38), dbSNP rs200643137, ClinGen allele CA4839771.